The following is an entry in ClinVar:

NM_031935.3(HMCN1):c.6181G>A (p.Val2061Ile)

Gene: HMCN1 (hemicentin 1; plus strand). Cytogenetic location: 1q31.1.
Variant type: single nucleotide variant.
Coding change: c.6181G>A on transcript NM_031935.3 (MANE Select); coding-DNA position 6181, G replaced by A.
Protein change: p.Val2061Ile; replaces valine 2061 with isoleucine.
Molecular consequence: missense variant.
Genome position (GRCh38, 1-based): chr1:186,041,013, G>A. VCF-style: chr1-186041013-G-A. GRCh37 (hg19) VCF-style: chr1-186010145-G-A.
Other names: short protein forms V2061I.
Identifiers: ClinVar variation 2993037 (VCV002993037.3), dbSNP rs1302698006, ClinGen allele CA343899206.

ClinVar aggregate classification (germline): Uncertain significance (1 of 4 stars; one submission).

Allele frequency attached by ClinVar (database versions not stated): TOPMed 0.00001.

Submission:

Labcorp Genetics (formerly Invitae), Labcorp
Classification: Uncertain significance. Last evaluated: 2022-10-30. Review status: criteria provided, single submitter. Criteria: Invitae Variant Classification Sherloc (09022015). Collection method: clinical testing. Allele origin: germline.
Comment: In summary, the available evidence is currently insufficient to determine the role of this variant in disease. Therefore, it has been classified as a Variant of Uncertain Significance. Algorithms developed to predict the effect of missense changes on protein structure and function output the following: SIFT: "Tolerated"; PolyPhen-2: "Probably Damaging"; Align-GVGD: "Class C0". The isoleucine amino acid residue is found in multiple mammalian species, which suggests that this missense change does not adversely affect protein function. This variant has not been reported in the literature in individuals affected with HMCN1-related conditions. This variant is not present in population databases (gnomAD no frequency). This sequence change replaces valine, which is neutral and non-polar, with isoleucine, which is neutral and non-polar, at codon 2061 of the HMCN1 protein (p.Val2061Ile).